The following is an entry in ClinVar:

NC_012920.1(MT-CO1):m.7168A>G

Gene: MT-CO1 (mitochondrially encoded cytochrome c oxidase I; plus strand).
Variant type: single nucleotide variant.
Genome position: chrM-7168-A-G.
Identifiers: ClinVar variation 692714 (VCV000692714.1), dbSNP rs1603220812, ClinGen allele CA414791672.

ClinVar aggregate classification (germline): Uncertain significance (1 of 4 stars; one submission).

Conditions:
Leigh syndrome (NULS). Also called: Leigh's necrotizing encephalopathy; Leigh's disease; Leigh Syndrome (mtDNA deletion); Leigh Disease; Subacute necrotizing encephalopathy; Necrotizing encephalopathy infantile subacute of Leigh. Identifiers: Orphanet 506, MedGen C2931891, MONDO:0009723, OMIM 256000.

Submission:

Wong Mito Lab, Molecular and Human Genetics, Baylor College of Medicine
Classification: Uncertain significance for Leigh syndrome. Last evaluated: 2019-10-17. Review status: criteria provided, single submitter. Criteria: Modified ACMG Guidelines (Unpublished). Collection method: clinical testing. Allele origin: germline.
Comment: The NC_012920.1:m.7168A>G (YP_003024028.1:p.Asn422Ser) variant in MTCO1 gene is interpretated to be a Uncertain Significance variant based on the modified ACMG guidelines (unpublished). This variant meets the following evidence codes: PP3, PP7